The following is an entry in ClinVar:

ClinVar aggregate classification (germline): Uncertain significance. Review status: criteria provided, multiple submitters, no conflicts (2 of 4 stars). 2 submissions from 2 submitters: Uncertain significance (2). Last evaluated 2024-10-14.

Conditions:
Muscular dystrophy-dystroglycanopathy (congenital with brain and eye anomalies), type A9. Also called: Muscular dystrophy-dystroglycanopathy (congenital with brain and eye anomalies), type a, 9; WALKER-WARBURG SYNDROME OR MUSCLE-EYE BRAIN DISEASE, DAG1-RELATED. Identifiers: Orphanet 370997, Orphanet 899, MedGen C4225291, MONDO:0014683, OMIM 616538.
Autosomal recessive limb-girdle muscular dystrophy type 2P. Also called: MUSCULAR DYSTROPHY-DYSTROGLYCANOPATHY, LIMB-GIRDLE, DAG1-RELATED; MUSCULAR DYSTROPHY, LIMB-GIRDLE, TYPE 2P; Limb-Girdle Muscular Dystrophy Type 9C. Identifiers: Orphanet 280333, MedGen C4511963, MONDO:0013440, OMIM 613818.

Submissions (2):

Blueprint Genetics
Classification: Uncertain significance. Last evaluated: 2024-10-14. Review status: criteria provided, single submitter. Criteria: ACMG Guidelines, 2015. Collection method: clinical testing. Allele origin: germline.

Labcorp Genetics (formerly Invitae), Labcorp
Classification: Uncertain significance for Autosomal recessive limb-girdle muscular dystrophy type 2P; Muscular dystrophy-dystroglycanopathy (congenital with brain and eye anomalies), type A9. Last evaluated: 2022-08-24. Review status: criteria provided, single submitter. Criteria: Invitae Variant Classification Sherloc (09022015). Collection method: clinical testing. Allele origin: germline.
Comment: In summary, the available evidence is currently insufficient to determine the role of this variant in disease. Therefore, it has been classified as a Variant of Uncertain Significance. Algorithms developed to predict the effect of missense changes on protein structure and function are either unavailable or do not agree on the potential impact of this missense change (SIFT: "Deleterious"; PolyPhen-2: "Probably Damaging"; Align-GVGD: "Class C0"). ClinVar contains an entry for this variant (Variation ID: 1521046). This variant has not been reported in the literature in individuals affected with DAG1-related conditions. This variant is not present in population databases (gnomAD no frequency). This sequence change replaces leucine, which is neutral and non-polar, with proline, which is neutral and non-polar, at codon 765 of the DAG1 protein (p.Leu765Pro).

NM_004393.6(DAG1):c.2294T>C (p.Leu765Pro)

Gene: DAG1 (dystroglycan 1; plus strand). Cytogenetic location: 3p21.31.
Variant type: single nucleotide variant.
Coding change: c.2294T>C on transcript NM_004393.6 (MANE Select); coding-DNA position 2294, T replaced by C.
Protein change: p.Leu765Pro; replaces leucine 765 with proline.
Molecular consequence: missense variant.
Genome position (GRCh38, 1-based): chr3:49,532,805, T>C. VCF-style: chr3-49532805-T-C. GRCh37 (hg19) VCF-style: chr3-49570238-T-C.
Other names: c.2294T>C, p.Leu765Pro (NM_001165928.4, NM_001177634.3, NM_001177635.3 and 9 more transcripts); short protein forms L765P.
Identifiers: ClinVar variation 1521046 (VCV001521046.9), dbSNP rs2107953423, ClinGen allele CA352797366.
Genomic context (GRCh38, chr3:49,532,805, plus strand): 5'-GTGAGGATGATGTCTACCTGCACACAGTCATTCCGGCCGTGGTGGTCGCAGCCATCCTGC[T>C]CATTGCTGGCATCATTGCCATGATCTGCTACCGCAAGAAGCGGAAGGGCAAGCTTACCCT-3'
Protein context (NP_004384.5, residues 755-775): IPAVVVAAIL[Leu765Pro]IAGIIAMICY